The following is an entry in ClinVar:

NM_001365951.3(KIF1B):c.1819G>A (p.Val607Ile)

Gene: KIF1B (kinesin family member 1B; plus strand). Cytogenetic location: 1p36.22.
Variant type: single nucleotide variant.
Coding change: c.1819G>A on transcript NM_001365951.3 (MANE Select); coding-DNA position 1819, G replaced by A.
Protein change: p.Val607Ile; replaces valine 607 with isoleucine.
Molecular consequence: missense variant.
Genome position (GRCh38, 1-based): chr1:10,296,623, G>A. VCF-style: chr1-10296623-G-A. GRCh37 (hg19) VCF-style: chr1-10356681-G-A.
Other names: c.1819G>A, p.Val607Ile (NM_001365952.1); c.1681G>A, p.Val561Ile (NM_001365953.1, NM_015074.3, NM_183416.4); short protein forms V561I, V607I.
Identifiers: ClinVar variation 1777925 (VCV001777925.11), dbSNP rs1056495059, ClinGen allele CA17813573.

ClinVar aggregate classification (germline): Uncertain significance. Review status: criteria provided, multiple submitters, no conflicts (2 of 4 stars). 3 submissions from 3 submitters: Uncertain significance (3). Last evaluated 2025-09-13.

Conditions:
Charcot-Marie-Tooth disease type 2. Also called: Charcot-Marie-Tooth type 2. Identifiers: Orphanet 64746, MedGen C0270914, MONDO:0018993.
Neuroblastoma, susceptibility to, 1. Identifiers: MedGen C2749485, MONDO:0009741, OMIM 256700.
Charcot-Marie-Tooth disease type 2A1. Also called: CHARCOT-MARIE-TOOTH DISEASE, AXONAL, TYPE 2A1; CHARCOT-MARIE-TOOTH DISEASE, AXONAL, AUTOSOMAL DOMINANT, TYPE 2A1; CHARCOT-MARIE-TOOTH DISEASE, NEURONAL, TYPE 2A1; CHARCOT-MARIE-TOOTH NEUROPATHY, TYPE 2A1; HEREDITARY MOTOR AND SENSORY NEUROPATHY IIA1. Identifiers: Orphanet 99946, MedGen C1861678, MONDO:0007308, OMIM 118210.

Allele frequency attached by ClinVar (database versions not stated): gnomAD exomes below 0.00001; TOPMed 0.00002; gnomAD 0.00001.
gnomAD v4.1: 4 of 1,613,978 alleles (0.00025%); highest among the groups gnomAD compares: Admixed American, 0.0033%; no homozygotes.

Submissions (3):

Ambry Genetics
Classification: Uncertain significance. Last evaluated: 2025-09-13. Review status: criteria provided, single submitter. Criteria: Ambry Variant Classification Scheme 2023. Collection method: clinical testing. Allele origin: germline.
Comment: The p.V561I variant (also known as c.1681G>A), located in coding exon 17 of the KIF1B gene, results from a G to A substitution at nucleotide position 1681. The valine at codon 561 is replaced by isoleucine, an amino acid with highly similar properties. This amino acid position is conserved. In addition, the in silico prediction for this alteration is inconclusive. Since supporting evidence is limited at this time, the clinical significance of this alteration remains unclear.

Fulgent Genetics
Classification: Uncertain significance for Charcot-Marie-Tooth disease type 2A1; Neuroblastoma, susceptibility to, 1. Last evaluated: 2024-06-19. Review status: criteria provided, single submitter. Criteria: ACMG Guidelines, 2015. Collection method: clinical testing. Allele origin: germline.

Labcorp Genetics (formerly Invitae), Labcorp
Classification: Uncertain significance for Charcot-Marie-Tooth disease type 2. Last evaluated: 2023-03-18. Review status: criteria provided, single submitter. Criteria: Invitae Variant Classification Sherloc (09022015). Collection method: clinical testing. Allele origin: germline.
Comment: In summary, the available evidence is currently insufficient to determine the role of this variant in disease. Therefore, it has been classified as a Variant of Uncertain Significance. Advanced modeling of protein sequence and biophysical properties (such as structural, functional, and spatial information, amino acid conservation, physicochemical variation, residue mobility, and thermodynamic stability) performed at Invitae indicates that this missense variant is not expected to disrupt KIF1B protein function. ClinVar contains an entry for this variant (Variation ID: 1777925). This variant has not been reported in the literature in individuals affected with KIF1B-related conditions. This variant is present in population databases (no rsID available, gnomAD 0.003%). This sequence change replaces valine, which is neutral and non-polar, with isoleucine, which is neutral and non-polar, at codon 561 of the KIF1B protein (p.Val561Ile).